The following is an entry in ClinVar:

ClinVar aggregate classification (germline): Likely pathogenic. Review status: criteria provided, multiple submitters, no conflicts (2 of 4 stars). 2 submissions from 2 submitters: Likely pathogenic (2). Last evaluated 2021-11-15.

Conditions:
SACS-related disorder. Also called: SACS-related condition.
Charlevoix-Saguenay spastic ataxia (SACS). Also called: SPASTIC ATAXIA 6, AUTOSOMAL RECESSIVE; AUTOSOMAL RECESSIVE SPASTIC ATAXIA OF CHARLEVOIX-SAGUENAY; Spastic ataxia of Charlevoix-Saguenay. Identifiers: Orphanet 98, MedGen C1849140, MONDO:0010041, OMIM 270550.

Submissions (2):

Myriad Genetics, Inc.
Classification: Likely pathogenic for Charlevoix-Saguenay spastic ataxia. Last evaluated: 2021-11-15. Review status: criteria provided, single submitter. Criteria: Myriad Women's Health Autosomal Recessive and X-Linked Classification Criteria (2021). Collection method: clinical testing. Allele origin: unknown.
Comment: NM_014363.4(SACS):c.579delG(F194Lfs*7) is expected to be pathogenic in the context of autosomal recessive spastic ataxia of Charlevoix-Saguenay. This variant is predicted to lead to an abnormal or absent protein product due to the creation of a premature termination codon in SACS, a gene where loss-of-function variants are known to be pathogenic. Please note: this variant was assessed in the context of healthy population screening.

Blueprint Genetics
Classification: Likely pathogenic for SACS-related disorders. Last evaluated: 2020-02-03. Review status: criteria provided, single submitter. Criteria: ACMG Guidelines, 2015. Collection method: clinical testing. Allele origin: germline. Affected: yes. Observed: 2 variant alleles.

NM_014363.6(SACS):c.579del (p.Phe194fs)

Gene: SACS (sacsin molecular chaperone; minus strand). Cytogenetic location: 13q12.12.
Variant type: Deletion.
Coding change: c.579del on transcript NM_014363.6 (MANE Select); coding-DNA position 579, one base deleted (G; older notation c.579delG).
Protein change: p.Phe194fs; shifts the reading frame from phenylalanine 194.
Molecular consequence: frameshift variant.
Genome position (GRCh38, 1-based): chr13:23,358,360, C deleted on the plus strand (G on the coding strand, the reverse complement: SACS is on the minus strand); the first of 3 consecutive C bases (chr13:23,358,360-23,358,362); deleting any one gives the same sequence. VCF-style (leftmost placement, unchanged base first): chr13-23358359-AC-A. GRCh37 (hg19) VCF-style: chr13-23932498-AC-A.
Other names: c.138del, p.Phe47fs (NM_001278055.2); short protein forms F194fs, F47fs.
Identifiers: ClinVar variation 1724615 (VCV001724615.3), dbSNP rs2542415204, ClinGen allele CA2580086878.